The following is an entry in ClinVar:

ClinVar aggregate classification (germline): Uncertain significance (1 of 4 stars; one submission).

Conditions:
Hereditary cancer-predisposing syndrome. Also called: Neoplastic Syndromes, Hereditary; Tumor predisposition; Hereditary Cancer Syndrome; Hereditary neoplastic syndrome. Identifiers: Orphanet 140162, MedGen C0027672, MeSH D009386, MONDO:0015356.

Allele frequency attached by ClinVar (database versions not stated): gnomAD 0.00001; gnomAD exomes 0.00001; TOPMed 0.00002.
gnomAD v4.1: 13 of 1,613,742 alleles (0.00081%); highest among the groups gnomAD compares: Non-Finnish European, 0.0011%; no homozygotes.

Submission:

Ambry Genetics
Classification: Uncertain significance for Hereditary cancer-predisposing syndrome. Last evaluated: 2022-04-19. Review status: criteria provided, single submitter. Criteria: Ambry Variant Classification Scheme 2023. Collection method: clinical testing. Allele origin: germline.
Comment: The p.M231V variant (also known as c.691A>G), located in coding exon 7 of the EPCAM gene, results from an A to G substitution at nucleotide position 691. The methionine at codon 231 is replaced by valine, an amino acid with highly similar properties. This amino acid position is conserved. In addition, this alteration is predicted to be tolerated by in silico analysis. Since supporting evidence is limited at this time, the clinical significance of this alteration remains unclear.

NM_002354.3(EPCAM):c.691A>G (p.Met231Val)

Gene: EPCAM (epithelial cell adhesion molecule; plus strand). Cytogenetic location: 2p21.
Variant type: single nucleotide variant.
Coding change: c.691A>G on transcript NM_002354.3 (MANE Select); coding-DNA position 691, A replaced by G.
Protein change: p.Met231Val; replaces methionine 231 with valine.
Molecular consequence: missense variant.
Genome position (GRCh38, 1-based): chr2:47,379,802, A>G. VCF-style: chr2-47379802-A-G. GRCh37 (hg19) VCF-style: chr2-47606941-A-G.
Other names: short protein forms M231V.
Identifiers: ClinVar variation 1756150 (VCV001756150.3), dbSNP rs568079223, ClinGen allele CA46644569.
Genomic context (GRCh38, chr2:47,379,802, plus strand): 5'-TAATTCCTTTTCTCCTTTTCAATACAGGTTAAAGGTGAATCCTTGTTTCATTCTAAGAAA[A>G]TGGACCTGACAGTAAATGGGGAACAACTGGATCTGGATCCTGGTCAAACTTTAATTTATT-3'
Protein context (NP_002345.2, residues 221-241): KGESLFHSKK[Met231Val]DLTVNGEQLD